The following is an entry in ClinVar:

NM_001374259.2(IL12RB2):c.532T>A (p.Cys178Ser)

Gene: IL12RB2 (interleukin 12 receptor subunit beta 2; plus strand). Cytogenetic location: 1p31.3.
Variant type: single nucleotide variant.
Coding change: c.532T>A on transcript NM_001374259.2 (MANE Select); coding-DNA position 532, T replaced by A.
Protein change: p.Cys178Ser; replaces cysteine 178 with serine.
Molecular consequence: missense variant. On other transcripts: non-coding transcript variant (2).
Genome position (GRCh38, 1-based): chr1:67,328,252, T>A. VCF-style: chr1-67328252-T-A. GRCh37 (hg19) VCF-style: chr1-67793935-T-A.
Other names: c.532T>A, p.Cys178Ser (NM_001258214.1, NM_001258215.1, NM_001258216.1 and 2 more transcripts); c.532T>A (NM_001559.2); short protein forms C178S.
Identifiers: ClinVar variation 1571238 (VCV001571238.10), dbSNP rs191377276, ClinGen allele CA900224.

ClinVar aggregate classification (germline): Likely benign. Review status: criteria provided, single submitter (1 of 4 stars). 2 submissions from 2 submitters: Likely benign (1). 1 of the submissions does not count toward it. Last evaluated 2025-10-07.

Conditions:
IL12RB2-related disorder. Also called: IL12RB2-related condition.

Allele frequency attached by ClinVar (database versions not stated): gnomAD exomes 0.00011 and 0.00032; gnomAD 0.00012 and 0.00017; TOPMed 0.00021; ExAC 0.00036; 1000 Genomes Project 30x 0.00047; 1000 Genomes Project 0.00060.
gnomAD v4.1: 184 of 1,614,214 alleles (0.011%); highest among the groups gnomAD compares: East Asian, 0.39%; no homozygotes.

Submissions (2):

Labcorp Genetics (formerly Invitae), Labcorp
Classification: Likely benign. Last evaluated: 2025-10-07. Review status: criteria provided, single submitter. Criteria: Invitae Variant Classification Sherloc (09022015). Collection method: clinical testing. Allele origin: germline.

PreventionGenetics, part of Exact Sciences
Classification: Likely benign for IL12RB2-related condition. Last evaluated: 2023-02-21. Review status: no assertion criteria provided. Collection method: clinical testing. Allele origin: germline. Not counted in ClinVar's aggregate classification.
Comment: This variant is classified as likely benign based on ACMG/AMP sequence variant interpretation guidelines (Richards et al. 2015 PMID: 25741868, with internal and published modifications).